The following is an entry in ClinVar:

ClinVar aggregate classification (germline): Uncertain significance. Review status: criteria provided, multiple submitters, no conflicts (2 of 4 stars). 2 submissions from 2 submitters: Uncertain significance (2). Last evaluated 2025-12-11.

Conditions:
Tuberous sclerosis 2 (TSC2). Identifiers: Orphanet 805, MedGen C1860707, MONDO:0013199, OMIM 613254.
Hereditary cancer-predisposing syndrome. Also called: Hereditary neoplastic syndrome; Neoplastic Syndromes, Hereditary; Hereditary Cancer Syndrome; Tumor predisposition. Identifiers: Orphanet 140162, MedGen C0027672, MeSH D009386, MONDO:0015356.

Submissions (2):

Ambry Genetics
Classification: Uncertain significance for Hereditary cancer-predisposing syndrome. Last evaluated: 2025-12-11. Review status: criteria provided, single submitter. Criteria: Ambry Variant Classification Scheme 2023. Collection method: clinical testing. Allele origin: germline.
Comment: The p.P1188T variant (also known as c.3562C>A), located in coding exon 29 of the TSC2 gene, results from a C to A substitution at nucleotide position 3562. The proline at codon 1188 is replaced by threonine, an amino acid with highly similar properties. This amino acid position is highly conserved in available vertebrate species. In addition, this alteration is predicted to be deleterious by in silico analysis. Based on the available evidence, the clinical significance of this variant remains unclear.

Labcorp Genetics (formerly Invitae), Labcorp
Classification: Uncertain significance for Tuberous sclerosis 2. Last evaluated: 2021-08-12. Review status: criteria provided, single submitter. Criteria: Invitae Variant Classification Sherloc (09022015). Collection method: clinical testing. Allele origin: germline.
Comment: In summary, the available evidence is currently insufficient to determine the role of this variant in disease. Therefore, it has been classified as a Variant of Uncertain Significance. Advanced modeling of protein sequence and biophysical properties (such as structural, functional, and spatial information, amino acid conservation, physicochemical variation, residue mobility, and thermodynamic stability) performed at Invitae indicates that this missense variant is not expected to disrupt TSC2 protein function. This variant has not been reported in the literature in individuals affected with TSC2-related conditions. This variant is not present in population databases (ExAC no frequency). This sequence change replaces proline with threonine at codon 1188 of the TSC2 protein (p.Pro1188Thr). The proline residue is highly conserved and there is a small physicochemical difference between proline and threonine.

NM_000548.5(TSC2):c.3562C>A (p.Pro1188Thr)

Gene: TSC2 (TSC complex subunit 2; plus strand). Cytogenetic location: 16p13.3.
Variant type: single nucleotide variant.
Coding change: c.3562C>A on transcript NM_000548.5 (MANE Select); coding-DNA position 3562, C replaced by A.
Protein change: p.Pro1188Thr; replaces proline 1188 with threonine.
Molecular consequence: missense variant.
Genome position (GRCh38, 1-based): chr16:2,080,329, C>A. VCF-style: chr16-2080329-C-A. GRCh37 (hg19) VCF-style: chr16-2130330-C-A.
Other names: c.3430C>A, p.Pro1144Thr (NM_001077183.3, NM_001370404.1); c.3562C>A, p.Pro1188Thr (NM_001114382.3); c.3322C>A, p.Pro1108Thr (NM_001318827.2); c.3286C>A, p.Pro1096Thr (NM_001318829.2); c.2830C>A, p.Pro944Thr (NM_001318831.2); c.3463C>A, p.Pro1155Thr (NM_001318832.2); c.3433C>A, p.Pro1145Thr (NM_001363528.2, NM_001370405.1, NM_021055.3); short protein forms P1145T, P944T, P1108T, P1155T, P1096T, P1144T, P1188T.
Identifiers: ClinVar variation 1387039 (VCV001387039.9), dbSNP rs2151461242, ClinGen allele CA394289560.